The following is an entry in ClinVar:

ClinVar aggregate classification (germline): Uncertain significance (1 of 4 stars; one submission).

Conditions:
Hereditary cancer-predisposing syndrome. Also called: Neoplastic Syndromes, Hereditary; Tumor predisposition; Hereditary neoplastic syndrome; Hereditary Cancer Syndrome. Identifiers: Orphanet 140162, MedGen C0027672, MeSH D009386, MONDO:0015356.

Submission:

Ambry Genetics
Classification: Uncertain significance for Hereditary cancer-predisposing syndrome. Last evaluated: 2024-02-11. Review status: criteria provided, single submitter. Criteria: Ambry Variant Classification Scheme 2023. Collection method: clinical testing. Allele origin: germline.
Comment: The p.S397C variant (also known as c.1190C>G), located in coding exon 7 of the KIT gene, results from a C to G substitution at nucleotide position 1190. The serine at codon 397 is replaced by cysteine, an amino acid with dissimilar properties. This amino acid position is conserved. In addition, this alteration is predicted to be tolerated by in silico analysis. Based on the available evidence, the clinical significance of this alteration remains unclear.

NM_000222.3(KIT):c.1190C>G (p.Ser397Cys)

Gene: KIT (KIT proto-oncogene, receptor tyrosine kinase; plus strand). Cytogenetic location: 4q12.
Variant type: single nucleotide variant.
Coding change: c.1190C>G on transcript NM_000222.3 (MANE Select); coding-DNA position 1190, C replaced by G.
Protein change: p.Ser397Cys; replaces serine 397 with cysteine.
Molecular consequence: missense variant.
Genome position (GRCh38, 1-based): chr4:54,709,498, C>G. VCF-style: chr4-54709498-C-G. GRCh37 (hg19) VCF-style: chr4-55575664-C-G.
Other names: c.1190C>G, p.Ser397Cys (NM_001093772.2, NM_001385285.1, NM_001385286.1); c.1193C>G, p.Ser398Cys (NM_001385284.1, NM_001385288.1, NM_001385290.1 and 1 more transcripts); short protein forms S397C, S398C.
Identifiers: ClinVar variation 3230650 (VCV003230650.1), dbSNP rs2109714289, ClinGen allele CA356902472.